The following is an entry in ClinVar:

ClinVar aggregate classification (germline): Uncertain significance. Review status: criteria provided, multiple submitters, no conflicts (2 of 4 stars). 2 submissions from 2 submitters: Uncertain significance (2). Last evaluated 2025-09-18.

Conditions:
FOXE1-related disorder. Also called: FOXE1-related condition.
Inborn genetic diseases. Identifiers: MedGen C0950123, MeSH D030342.

gnomAD v4.1: 9 of 1,239,694 alleles (0.00073%); highest among the groups gnomAD compares: African/African-American, 0.0079%; no homozygotes.

Submissions (2):

PreventionGenetics, part of Exact Sciences
Classification: Uncertain significance for FOXE1-related condition. Last evaluated: 2025-09-18. Review status: criteria provided, single submitter. Criteria: ACMG Guidelines, 2015. Collection method: clinical testing. Allele origin: germline.
Comment: The FOXE1 c.547G>A variant is predicted to result in the amino acid substitution p.Gly183Ser. To our knowledge, this variant has not been reported in the literature or in a large population database (gnomAD), indicating this variant is rare. At this time, the clinical significance of this variant is uncertain due to the absence of conclusive functional and genetic evidence.

Ambry Genetics
Classification: Uncertain significance for Inborn genetic diseases. Last evaluated: 2025-08-27. Review status: criteria provided, single submitter. Criteria: Ambry Variant Classification Scheme 2023. Collection method: clinical testing. Allele origin: germline.

NM_004473.4(FOXE1):c.547G>A (p.Gly183Ser)

Gene: FOXE1 (forkhead box E1; plus strand). Cytogenetic location: 9q22.33.
Variant type: single nucleotide variant.
Coding change: c.547G>A on transcript NM_004473.4 (MANE Select); coding-DNA position 547, G replaced by A.
Protein change: p.Gly183Ser; replaces glycine 183 with serine.
Molecular consequence: missense variant.
Genome position (GRCh38, 1-based): chr9:97,854,461, G>A. VCF-style: chr9-97854461-G-A. GRCh37 (hg19) VCF-style: chr9-100616743-G-A.
Other names: short protein forms G183S.
Identifiers: ClinVar variation 4259163 (VCV004259163.2).